The following is an entry in ClinVar:

NM_001849.4(COL6A2):c.115+5C>T

Gene: COL6A2 (collagen type VI alpha 2 chain; plus strand). Cytogenetic location: 21q22.3.
Variant type: single nucleotide variant.
Coding change: c.115+5C>T on transcript NM_001849.4 (MANE Select); 5 bases into the intron after coding-DNA position 115, C replaced by T.
Molecular consequence: intron variant.
Genome position (GRCh38, 1-based): chr21:46,111,596, C>T. VCF-style: chr21-46111596-C-T. GRCh37 (hg19) VCF-style: chr21-47531510-C-T.
Other names: c.115+5C>T (NM_058175.3, NM_058174.3).
Identifiers: ClinVar variation 3667046 (VCV003667046.2).
Genomic context (GRCh38, chr21:46,111,596, plus strand): 5'-CCAGCAGCAGGAGGTCATCTCGCCGGACACTACCGAGAGAAACAACAACTGCCCAGGTGC[C>T]AGGGGTCGGGGGCCGGGGGCTCTGGGCATTTGGGGGGCAGTTGGGACCAGTACCCAGGTG-3'

ClinVar aggregate classification (germline): Uncertain significance (1 of 4 stars; one submission).

Conditions:
Bethlem myopathy 1A. Also called: MYOPATHY, BENIGN CONGENITAL, WITH CONTRACTURES; Bethlem myopathy 1; Bethlem Muscular Dystrophy. Identifiers: Orphanet 610, MedGen CN029274, MONDO:0024530, OMIM 158810.

Submission:

Labcorp Genetics (formerly Invitae), Labcorp
Classification: Uncertain significance for Bethlem myopathy 1A. Last evaluated: 2024-04-10. Review status: criteria provided, single submitter. Criteria: Invitae Variant Classification Sherloc (09022015). Collection method: clinical testing. Allele origin: germline.
Comment: This sequence change falls in intron 2 of the COL6A2 gene. It does not directly change the encoded amino acid sequence of the COL6A2 protein. It affects a nucleotide within the consensus splice site. This variant is present in population databases (no rsID available, gnomAD 0.0009%). This variant has not been reported in the literature in individuals affected with COL6A2-related conditions. Variants that disrupt the consensus splice site are a relatively common cause of aberrant splicing (PMID: 17576681, 9536098). Algorithms developed to predict the effect of sequence changes on RNA splicing suggest that this variant is not likely to affect RNA splicing. In summary, the available evidence is currently insufficient to determine the role of this variant in disease. Therefore, it has been classified as a Variant of Uncertain Significance.

Literature cited by the submitters: PubMed 17576681; PubMed 9536098.